The following is an entry in ClinVar:

NM_017617.5(NOTCH1):c.1869C>A (p.Asn623Lys)

Gene: NOTCH1 (notch receptor 1; minus strand). Cytogenetic location: 9q34.3.
Variant type: single nucleotide variant.
Coding change: c.1869C>A on transcript NM_017617.5 (MANE Select); coding-DNA position 1869, C replaced by A.
Protein change: p.Asn623Lys; replaces asparagine 623 with lysine.
Molecular consequence: missense variant.
Genome position (GRCh38, 1-based): chr9:136,515,517, G>T on the plus strand (C>A on the coding strand, the complement: NOTCH1 is on the minus strand). VCF-style: chr9-136515517-G-T. GRCh37 (hg19) VCF-style: chr9-139409969-G-T.
Other names: p.Asn623Lys; short protein forms N623K.
Identifiers: ClinVar variation 3379937 (VCV003379937.1).

ClinVar aggregate classification (germline): Uncertain significance (1 of 4 stars; one submission).

gnomAD v4.1: 1 of 1,611,870 alleles (0.000062%); highest among the groups gnomAD compares: Non-Finnish European, 0.000085%; no homozygotes.

Submission:

Mayo Clinic Laboratories, Mayo Clinic
Classification: Uncertain significance. Last evaluated: 2024-05-10. Review status: criteria provided, single submitter. Criteria: ACMG Guidelines, 2015. Collection method: clinical testing. Allele origin: germline. Observed: 1 variant allele.
Comment: PP2, PM2

Literature cited by the submitters: PubMed 33110418.